The following is an entry in ClinVar:

NM_014874.4(MFN2):c.469G>A (p.Ala157Thr)

Gene: MFN2 (mitofusin 2; plus strand). Cytogenetic location: 1p36.22.
Variant type: single nucleotide variant.
Coding change: c.469G>A on transcript NM_014874.4 (MANE Select); coding-DNA position 469, G replaced by A.
Protein change: p.Ala157Thr; replaces alanine 157 with threonine.
Molecular consequence: missense variant.
Genome position (GRCh38, 1-based): chr1:11,996,313, G>A. VCF-style: chr1-11996313-G-A. GRCh37 (hg19) VCF-style: chr1-12056370-G-A.
Other names: c.469G>A, p.Ala157Thr (NM_001127660.2); short protein forms A157T.
Identifiers: ClinVar variation 2859665 (VCV002859665.3), dbSNP rs764880166, ClinGen allele CA598825.

ClinVar aggregate classification (germline): Uncertain significance (1 of 4 stars; one submission).

Conditions:
Charcot-Marie-Tooth disease type 2. Also called: Charcot-Marie-Tooth type 2. Identifiers: Orphanet 64746, MedGen C0270914, MONDO:0018993.

Allele frequency attached by ClinVar (database versions not stated): ExAC 0.00001; gnomAD exomes below 0.00001.
gnomAD v4.1: 2 of 1,614,122 alleles (0.00012%); highest among the groups gnomAD compares: South Asian, 0.0022%; no homozygotes.

Submission:

Labcorp Genetics (formerly Invitae), Labcorp
Classification: Uncertain significance for Charcot-Marie-Tooth disease type 2. Last evaluated: 2023-05-11. Review status: criteria provided, single submitter. Criteria: Invitae Variant Classification Sherloc (09022015). Collection method: clinical testing. Allele origin: germline.
Comment: This sequence change replaces alanine, which is neutral and non-polar, with threonine, which is neutral and polar, at codon 157 of the MFN2 protein (p.Ala157Thr). This variant is present in population databases (rs764880166, gnomAD 0.006%). This variant has not been reported in the literature in individuals affected with MFN2-related conditions. Advanced modeling of protein sequence and biophysical properties (such as structural, functional, and spatial information, amino acid conservation, physicochemical variation, residue mobility, and thermodynamic stability) performed at Invitae indicates that this missense variant is not expected to disrupt MFN2 protein function. In summary, the available evidence is currently insufficient to determine the role of this variant in disease. Therefore, it has been classified as a Variant of Uncertain Significance.